The following is an entry in ClinVar:

NM_000245.4(MET):c.2602G>A (p.Glu868Lys)

Gene: MET (MET proto-oncogene, receptor tyrosine kinase; plus strand). Cytogenetic location: 7q31.2.
Variant type: single nucleotide variant.
Coding change: c.2602G>A on transcript NM_000245.4 (MANE Select); coding-DNA position 2602, G replaced by A.
Protein change: p.Glu868Lys; replaces glutamic acid 868 with lysine.
Molecular consequence: missense variant.
Genome position (GRCh38, 1-based): chr7:116,769,663, G>A. VCF-style: chr7-116769663-G-A. GRCh37 (hg19) VCF-style: chr7-116409717-G-A.
Other names: c.2656G>A, p.Glu886Lys (NM_001127500.3); c.2602G>A, p.Glu868Lys (NM_001324401.3); c.1312G>A, p.Glu438Lys (NM_001324402.2); short protein forms E438K, E868K, E886K.
Identifiers: ClinVar variation 3649661 (VCV003649661.2).

ClinVar aggregate classification (germline): Uncertain significance (1 of 4 stars; one submission).

Conditions:
Renal cell carcinoma. Identifiers: Orphanet 217071, MedGen C0007134, MeSH D002292, MONDO:0005086, HP:0005584.

gnomAD v4.1: 1 of 1,610,312 alleles (0.000062%); no homozygotes.

Submission:

Labcorp Genetics (formerly Invitae), Labcorp
Classification: Uncertain significance for Renal cell carcinoma. Last evaluated: 2024-04-12. Review status: criteria provided, single submitter. Criteria: Invitae Variant Classification Sherloc (09022015). Collection method: clinical testing. Allele origin: germline.
Comment: This sequence change replaces glutamic acid, which is acidic and polar, with lysine, which is basic and polar, at codon 886 of the MET protein (p.Glu886Lys). This variant is not present in population databases (gnomAD no frequency). This variant has not been reported in the literature in individuals affected with MET-related conditions. Advanced modeling of protein sequence and biophysical properties (such as structural, functional, and spatial information, amino acid conservation, physicochemical variation, residue mobility, and thermodynamic stability) performed at Invitae indicates that this missense variant is expected to disrupt MET protein function with a positive predictive value of 80%. In summary, the available evidence is currently insufficient to determine the role of this variant in disease. Therefore, it has been classified as a Variant of Uncertain Significance.